The following is an entry in ClinVar:

ClinVar aggregate classification (germline): Likely benign. Review status: criteria provided, multiple submitters, no conflicts (2 of 4 stars). 7 submissions from 7 submitters: Likely benign (4). 3 of the submissions do not count toward it. Last evaluated 2025-12-25.

Conditions:
SRCAP-related disorder. Also called: SRCAP-related condition.
Floating-Harbor syndrome (FLHS). Also called: SRCAP-Related Floating-Harbor Syndrome; Short stature with delayed bone age, expressive language delay, a triangular face with a prominent nose and deep-set eyes; Pelletier-Leisti syndrome. Identifiers: Orphanet 2044, MedGen C0729582, MONDO:0007621, OMIM 136140.
Developmental delay, hypotonia, musculoskeletal defects, and behavioral abnormalities. Identifiers: MedGen C5562012, MONDO:0859202, OMIM 619595.

Allele frequency attached by ClinVar (database versions not stated): gnomAD exomes 0.00060 and 0.00112; ExAC 0.00080; ESP Exome Variant Server 0.00085; gnomAD 0.00088 and 0.00093; TOPMed 0.00094.

Submissions (7):

Labcorp Genetics (formerly Invitae), Labcorp
Classification: Likely benign. Last evaluated: 2025-12-25. Review status: criteria provided, single submitter. Criteria: Invitae Variant Classification Sherloc (09022015). Collection method: clinical testing. Allele origin: germline.

CeGaT Center for Human Genetics Tuebingen
Classification: Likely benign. Last evaluated: 2025-11-01. Review status: criteria provided, single submitter. Criteria: CeGaT Center For Human Genetics Tuebingen Variant Classification Criteria Version 2. Collection method: clinical testing. Allele origin: germline. Affected: yes. Observed: 3 variant alleles.
Comment: SRCAP: BS1

Fulgent Genetics
Classification: Likely benign for Floating-Harbor syndrome; Developmental delay, hypotonia, musculoskeletal defects, and behavioral abnormalities. Last evaluated: 2021-08-04. Review status: criteria provided, single submitter. Criteria: ACMG Guidelines, 2015. Collection method: clinical testing. Allele origin: unknown.

Breakthrough Genomics
Classification: Likely benign. Review status: criteria provided, single submitter. Criteria: ACMG Guidelines, 2015. Collection method: not provided. Allele origin: germline. Inheritance: Autosomal dominant inheritance. Affected: yes.

PreventionGenetics, part of Exact Sciences
Classification: Benign for SRCAP-related condition. Last evaluated: 2020-09-09. Review status: no assertion criteria provided. Collection method: clinical testing. Allele origin: germline. Not counted in ClinVar's aggregate classification.
Comment: This variant is classified as benign based on ACMG/AMP sequence variant interpretation guidelines (Richards et al. 2015 PMID: 25741868, with internal and published modifications).

Clinical Genetics DNA and cytogenetics Diagnostics Lab, Erasmus MC, Erasmus Medical Center
Classification: Likely benign. Review status: no assertion criteria provided. Collection method: clinical testing. Allele origin: germline. Affected: yes. Study: VKGL Data-share Consensus. Not counted in ClinVar's aggregate classification.

Laboratory of Diagnostic Genome Analysis, Leiden University Medical Center (LUMC)
Classification: Likely benign. Review status: no assertion criteria provided. Collection method: clinical testing. Allele origin: germline. Affected: yes. Study: VKGL Data-share Consensus. Not counted in ClinVar's aggregate classification.

NM_006662.3(SRCAP):c.7121C>A (p.Thr2374Asn)

Gene: SRCAP (Snf2 related CREBBP activator protein; plus strand). Cytogenetic location: 16p11.2.
Variant type: single nucleotide variant.
Coding change: c.7121C>A on transcript NM_006662.3 (MANE Select); coding-DNA position 7121, C replaced by A.
Protein change: p.Thr2374Asn; replaces threonine 2374 with asparagine.
Molecular consequence: missense variant.
Genome position (GRCh38, 1-based): chr16:30,737,161, C>A. VCF-style: chr16-30737161-C-A. GRCh37 (hg19) VCF-style: chr16-30748482-C-A.
Other names: short protein forms T2374N.
Identifiers: ClinVar variation 318893 (VCV000318893.39), dbSNP rs142242633, ClinGen allele CA8012420.